The following is an entry in ClinVar:

ClinVar aggregate classification (germline): Uncertain significance (0 of 4 stars; one submission).

Conditions:
PLXNA2-related disorder. Also called: PLXNA2-related condition.

Submission:

PreventionGenetics, part of Exact Sciences
Classification: Uncertain significance for PLXNA2-related condition. Last evaluated: 2024-01-02. Review status: no assertion criteria provided. Collection method: clinical testing. Allele origin: germline.
Comment: The PLXNA2 c.920A>G variant is predicted to result in the amino acid substitution p.Tyr307Cys. To our knowledge, this variant has not been reported in the literature or in gnomAD, indicating this variant is rare. At this time, the clinical significance of this variant is uncertain due to the absence of conclusive functional and genetic evidence.

NM_025179.4(PLXNA2):c.920A>G (p.Tyr307Cys)

Gene: PLXNA2 (plexin A2; minus strand). Cytogenetic location: 1q32.2.
Variant type: single nucleotide variant.
Coding change: c.920A>G on transcript NM_025179.4 (MANE Select); coding-DNA position 920, A replaced by G.
Protein change: p.Tyr307Cys; replaces tyrosine 307 with cysteine.
Molecular consequence: missense variant.
Genome position (GRCh38, 1-based): chr1:208,217,003, T>C on the plus strand (A>G on the coding strand, the complement: PLXNA2 is on the minus strand). VCF-style: chr1-208217003-T-C. GRCh37 (hg19) VCF-style: chr1-208390348-T-C.
Other names: short protein forms Y307C.
Identifiers: ClinVar variation 3348750 (VCV003348750.1).